The following is an entry in ClinVar:

NM_020806.5(GPHN):c.65-97dup

Gene: GPHN (gephyrin; plus strand). Cytogenetic location: 14q23.3.
Variant type: Duplication.
Coding change: c.65-97dup on transcript NM_020806.5 (MANE Select); 97 bases into the intron before coding-DNA position 65, one base duplicated (A; older notation c.65-97dupA).
Molecular consequence: intron variant.
Genome position (GRCh38, 1-based): chr14:66,681,010, A duplicated; the last of 11 consecutive A bases (chr14:66,681,000-66,681,010); duplicating any one gives the same sequence. VCF-style (leftmost placement, unchanged base first): chr14-66680999-G-GA. GRCh37 (hg19) VCF-style: chr14-67147717-G-GA.
Other names: c.65-97dup (NM_001377514.1, NM_001377519.1, NM_001377515.1 and 4 more transcripts).
Identifiers: ClinVar variation 1700718 (VCV001700718.2), dbSNP rs10711873, ClinGen allele CA486939231.

ClinVar aggregate classification (germline): Likely benign (1 of 4 stars; one submission).

Submission:

GeneDx
Classification: Likely benign. Last evaluated: 2021-05-16. Review status: criteria provided, single submitter. Criteria: GeneDx Variant Classification Process June 2021. Collection method: clinical testing. Allele origin: germline. Affected: yes.
Comment: See Variant Classification Assertion Criteria.